The following is an entry in ClinVar:

ClinVar aggregate classification (germline): Uncertain significance (1 of 4 stars; one submission).

gnomAD v4.1: 5 of 1,613,108 alleles (0.00031%); highest among the groups gnomAD compares: Non-Finnish European, 0.00042%; no homozygotes.

Submission:

Women's Health and Genetics/Laboratory Corporation of America, LabCorp
Classification: Uncertain significance. Last evaluated: 2025-02-07. Review status: criteria provided, single submitter. Criteria: LabCorp Variant Classification Summary - May 2015. Collection method: clinical testing. Allele origin: germline.
Comment: Variant summary: TLK2 c.209A>G (p.Tyr70Cys) results in a non-conservative amino acid change in the encoded protein sequence. Three of five in-silico tools predict a benign effect of the variant on protein function. The variant was absent in 249320 control chromosomes. The available data on variant occurrences in the general population are insufficient to allow any conclusion about variant significance. To our knowledge, no occurrence of c.209A>G in individuals affected with Intellectual Disability, Autosomal Dominant 57 and no experimental evidence demonstrating its impact on protein function have been reported. No submitters have cited clinical-significance assessments for this variant to ClinVar. Based on the evidence outlined above, the variant was classified as uncertain significance.

NM_006852.6(TLK2):c.209A>G (p.Tyr70Cys)

Gene: TLK2 (tousled like kinase 2; plus strand). Cytogenetic location: 17q23.2.
Variant type: single nucleotide variant.
Coding change: c.209A>G on transcript NM_006852.6 (MANE Select); coding-DNA position 209, A replaced by G.
Protein change: p.Tyr70Cys; replaces tyrosine 70 with cysteine.
Molecular consequence: missense variant. On other transcripts: 5 prime UTR variant (2).
Genome position (GRCh38, 1-based): chr17:62,522,259, A>G. VCF-style: chr17-62522259-A-G. GRCh37 (hg19) VCF-style: chr17-60599620-A-G.
Other names: c.209A>G, p.Tyr70Cys (NM_001284333.3, NM_001284363.1, NM_001375270.1 and 3 more transcripts); c.-143A>G (NM_001330418.3, NM_001375273.1); c.347A>G, p.Tyr116Cys (NM_001375269.1); short protein forms Y116C, Y70C.
Identifiers: ClinVar variation 3768695 (VCV003768695.1).